The following is an entry in ClinVar:

ClinVar aggregate classification (germline): Pathogenic (1 of 4 stars; one submission).

Submission:

Quest Diagnostics Nichols Institute San Juan Capistrano
Classification: Pathogenic. Last evaluated: 2023-10-03. Review status: criteria provided, single submitter. Criteria: ACMG/ClinGen CNV Guidelines, 2019. Collection method: clinical testing. Allele origin: unknown.
Comment: The terminal loss of 2q involves several protein-coding genes. Heterozygous loss-of-function variants of KIF1A (OMIM 601255) have been reported in association with autosomal dominant spastic paraplegia 30 (OMIM 610357; Pennings 2020), and truncating sequence variants of PASK (OMIM 607505) have been observed in probands with autism spectrum disorder (Lim 2017, Wang 2020). Similar deletions have also been reported in individuals with neurodevelopmental phenotypes (Iwata-Otsubo 2022) There are no similar copy number losses of this region in the general populations of the Database of Genomic Variants. Thus, this CNV is classified as pathogenic. References: Iwata-Otsubo et al., Cytogenet Genome Res. 2022;162(5):237-243. PMID: 36516793; Lim et al., Nat Neurosci. 2017 Sep;20(9):1217-1224. PMID: 28714951; Pennings et al., Eur J Hum Genet. 2020 Jan;28(1):40-49. PMID: 31488895; Wang et al., Nat Commun. 2020 Oct 1;11(1):4932. PMID: 33004838

GRCh37/hg19 2q37.3(chr2:241644934-242783384)x1

Genes: AGXT (alanine--glyoxylate aminotransferase; plus strand), ANO7 (anoctamin 7; plus strand), ATG4B (autophagy related 4B cysteine peptidase; plus strand), BOK (BCL2 family apoptosis regulator BOK; plus strand), D2HGDH (D-2-hydroxyglutarate dehydrogenase; plus strand) and 15 more. Cytogenetic location: 2q37.3.
Variant type: copy number loss.
Change: copy number 1 (one copy instead of two) of chr2:241,644,934-242,783,384 (1.14 Mb, GRCh37 coordinates, 1-based), cytogenetic band 2q37.3.
Identifiers: ClinVar variation 3391877 (VCV003391877.1).